The following is an entry in ClinVar:

ClinVar aggregate classification (germline): Uncertain significance (1 of 4 stars; one submission).

gnomAD v4.1: 1 of 1,613,850 alleles (0.000062%); highest among the groups gnomAD compares: Non-Finnish European, 0.000085%; no homozygotes.

Submission:

Labcorp Genetics (formerly Invitae), Labcorp
Classification: Uncertain significance. Last evaluated: 2025-08-29. Review status: criteria provided, single submitter. Criteria: Invitae Variant Classification Sherloc (09022015). Collection method: clinical testing. Allele origin: germline.
Comment: This sequence change replaces asparagine, which is neutral and polar, with serine, which is neutral and polar, at codon 667 of the OPA1 protein (p.Asn667Ser). This variant is present in population databases (rs745367183, gnomAD 0.0009%). This variant has not been reported in the literature in individuals affected with OPA1-related conditions. ClinVar contains an entry for this variant (Variation ID: 3616401). Invitae Evidence Modeling of protein sequence and biophysical properties (such as structural, functional, and spatial information, amino acid conservation, physicochemical variation, residue mobility, and thermodynamic stability) indicates that this missense variant is not expected to disrupt OPA1 protein function with a negative predictive value of 80%. In summary, the available evidence is currently insufficient to determine the role of this variant in disease. Therefore, it has been classified as a Variant of Uncertain Significance.

NM_130837.3(OPA1):c.2165A>G (p.Asn722Ser)

Gene: OPA1 (OPA1 mitochondrial dynamin like GTPase; plus strand). Cytogenetic location: 3q29.
Variant type: single nucleotide variant.
Coding change: c.2165A>G on transcript NM_130837.3 (MANE Select); coding-DNA position 2165, A replaced by G.
Protein change: p.Asn722Ser; replaces asparagine 722 with serine.
Molecular consequence: missense variant.
Genome position (GRCh38, 1-based): chr3:193,655,014, A>G. VCF-style: chr3-193655014-A-G. GRCh37 (hg19) VCF-style: chr3-193372803-A-G.
Other names: c.2111A>G, p.Asn704Ser (NM_130836.3); c.1631A>G, p.Asn544Ser (NM_001354663.2); c.1628A>G, p.Asn543Ser (NM_001354664.2); c.2000A>G, p.Asn667Ser (NM_015560.3); c.1892A>G, p.Asn631Ser (NM_130831.3); c.1946A>G, p.Asn649Ser (NM_130832.3); c.2003A>G, p.Asn668Ser (NM_130833.3); c.2054A>G, p.Asn685Ser (NM_130834.3); and 1 more; short protein forms N543S, N544S, N631S, N649S, N667S, N668S, N685S, N686S.
Identifiers: ClinVar variation 3616401 (VCV003616401.2).